The following is an entry in ClinVar:

NM_153704.6(TMEM67):c.1540G>T (p.Glu514Ter)

Gene: TMEM67 (transmembrane protein 67; plus strand). Cytogenetic location: 8q22.1.
Variant type: single nucleotide variant.
Coding change: c.1540G>T on transcript NM_153704.6 (MANE Select); coding-DNA position 1540, G replaced by T.
Protein change: p.Glu514Ter; replaces glutamic acid 514 with a stop codon.
Molecular consequence: nonsense. On other transcripts: non-coding transcript variant (1).
Genome position (GRCh38, 1-based): chr8:93,791,284, G>T. VCF-style: chr8-93791284-G-T. GRCh37 (hg19) VCF-style: chr8-94803512-G-T.
Other names: c.1297G>T, p.Glu433Ter (NM_001142301.1); short protein forms E433*, E514*.
Identifiers: ClinVar variation 3752146 (VCV003752146.2).

ClinVar aggregate classification (germline): Pathogenic (1 of 4 stars; one submission).

Conditions:
Joubert syndrome. Also called: CEREBELLOPARENCHYMAL DISORDER IV; JOUBERT-BOLTSHAUSER SYNDROME; Familial aplasia of the vermis. Identifiers: Orphanet 475, MedGen C5979921, MONDO:0018772.
Meckel-Gruber syndrome. Also called: DYSENCEPHALIA SPLANCHNOCYSTICA; GRUBER SYNDROME; Dysencephalia splachnocystica. Identifiers: Orphanet 564, MedGen C0265215, MONDO:0018921.

Submission:

Labcorp Genetics (formerly Invitae), Labcorp
Classification: Pathogenic for Joubert syndrome; Meckel-Gruber syndrome. Last evaluated: 2024-01-28. Review status: criteria provided, single submitter. Criteria: Invitae Variant Classification Sherloc (09022015). Collection method: clinical testing. Allele origin: germline.
Comment: This sequence change creates a premature translational stop signal (p.Glu514*) in the TMEM67 gene. It is expected to result in an absent or disrupted protein product. Loss-of-function variants in TMEM67 are known to be pathogenic (PMID: 20232449, 23559409). This variant is not present in population databases (gnomAD no frequency). This variant has not been reported in the literature in individuals affected with TMEM67-related conditions. For these reasons, this variant has been classified as Pathogenic.

Literature cited by the submitters: PubMed 20232449; PubMed 23559409.